The following is an entry in ClinVar:

ClinVar aggregate classification (germline): Pathogenic/Likely pathogenic. Review status: criteria provided, multiple submitters, no conflicts (2 of 4 stars). 2 submissions from 2 submitters: Pathogenic (1); Likely pathogenic (1). Last evaluated 2025-05-23.

Conditions:
Inborn genetic diseases. Identifiers: MedGen C0950123, MeSH D030342.
Aniridia 1 (AN1). Identifiers: Orphanet 250923, MedGen C0344542, MONDO:0024507, OMIM 106210.
Irido-corneo-trabecular dysgenesis (ASGD5). Also called: ANTERIOR SEGMENT DYSGENESIS 5. Identifiers: Orphanet 708, MedGen C0344559, MONDO:0011414, OMIM 604229, HP:0000659.

Submissions (2):

Ambry Genetics
Classification: Likely pathogenic for Inborn genetic diseases. Last evaluated: 2025-05-23. Review status: criteria provided, single submitter. Criteria: Ambry Variant Classification Scheme 2023. Collection method: clinical testing. Allele origin: germline.
Comment: The c.1183+5G>A intronic alteration consists of a G to A substitution 5 nucleotides after coding exon 9 of the PAX6 gene. This variant was not reported in population-based cohorts in the Genome Aggregation Database (gnomAD). This variant was reported in individual(s) with features consistent with PAX6-related ophthalmological disorder; in at least one individual, it was determined to be de novo (Neuner-Jehle, 1998; Weisschuh, 2012; You, 2020; Ambry internal data). Other variant(s) impacting the same donor site (c.1183+1G>A) have been identified in individual(s) with features consistent with PAX6-related ophthalmological disorder (Miao, 2017; Souzeau, 2018; Nieves-Moreno, 2021). This nucleotide position is highly conserved in available vertebrate species. Minigene RNA studies have demonstrated that this alteration results in skipping of coding exon 9 (Weisschuh, 2012). In silico splice site analysis predicts that this alteration may weaken the native splice donor site. Based on the available evidence, this alteration is classified as likely pathogenic.

Labcorp Genetics (formerly Invitae), Labcorp
Classification: Pathogenic for Aniridia 1; Irido-corneo-trabecular dysgenesis. Last evaluated: 2018-12-25. Review status: criteria provided, single submitter. Criteria: Invitae Variant Classification Sherloc (09022015). Collection method: clinical testing. Allele origin: germline.
Comment: For these reasons, this variant has been classified as Pathogenic. Nucleotide substitutions within the consensus splice site are a relatively common cause of aberrant splicing (PMID: 17576681, 9536098). Experimental studies have shown that this variant disrupts mRNA splicing (PMID: 22509105). This variant has been observed to segregate with isolated aniridia in families (PMID: 22509105, 10694925). This variant is not present in population databases (ExAC no frequency). This sequence change falls in intron 12 of the PAX6 gene. It does not directly change the encoded amino acid sequence of the PAX6 protein, but it affects a nucleotide within the consensus splice site of the intron.

Literature cited by the submitters: PubMed 10694925 (cited by Ambry Genetics and Labcorp Genetics (formerly Invitae), Labcorp); PubMed 22509105 (cited by Ambry Genetics and Labcorp Genetics (formerly Invitae), Labcorp); PubMed 28760551 (cited by Ambry Genetics); PubMed 29618921 (cited by Ambry Genetics); PubMed 32214788 (cited by Ambry Genetics); PubMed 34065151 (cited by Ambry Genetics); PubMed 17576681 (cited by Labcorp Genetics (formerly Invitae), Labcorp); PubMed 9536098 (cited by Labcorp Genetics (formerly Invitae), Labcorp).

NM_001368894.2(PAX6):c.1225+5G>A

Gene: PAX6 (paired box 6; minus strand). Cytogenetic location: 11p13.
Variant type: single nucleotide variant.
Coding change: c.1225+5G>A on transcript NM_001368894.2 (MANE Select); 5 bases into the intron after coding-DNA position 1225, G replaced by A.
Molecular consequence: intron variant.
Genome position (GRCh38, 1-based): chr11:31,790,705, C>T on the plus strand (G>A on the coding strand, the complement: PAX6 is on the minus strand). VCF-style: chr11-31790705-C-T. GRCh37 (hg19) VCF-style: chr11-31812253-C-T.
Other names: c.1183+5G>A (NM_000280.3, NM_001127612.3, NM_001368890.2 and 7 more transcripts); c.874-686G>A (NM_001368921.2); c.1024+5G>A (NM_001368923.2, NM_001368926.2, NM_001368927.2 and 3 more transcripts); c.1225+5G>A (NM_001258462.3, NM_001310158.2, NM_001258463.2 and 3 more transcripts); c.1300+5G>A (NM_001368919.2, NM_001368918.2); c.1033-686G>A (NM_001368915.2, NM_001368917.2, NM_001368916.2); c.1075-686G>A (NM_001368914.2, NM_001368912.2, NM_001368913.2); c.1426+5G>A (NM_001368910.2); and 6 more.
Identifiers: ClinVar variation 658957 (VCV000658957.7), dbSNP rs1592366898, ClinGen allele CA915948026.